The following is an entry in ClinVar:

NM_004320.6(ATP2A1):c.573G>A (p.Thr191=)

Gene: ATP2A1 (ATPase sarcoplasmic/endoplasmic reticulum Ca2+ transporting 1; plus strand). Cytogenetic location: 16p11.2.
Variant type: single nucleotide variant.
Coding change: c.573G>A on transcript NM_004320.6 (MANE Select); coding-DNA position 573, G replaced by A.
Protein change: p.Thr191=; no amino-acid change (threonine 191 retained).
Molecular consequence: synonymous variant.
Genome position (GRCh38, 1-based): chr16:28,887,217, G>A. VCF-style: chr16-28887217-G-A. GRCh37 (hg19) VCF-style: chr16-28898538-G-A.
Other names: c.198G>A, p.Thr66= (NM_001286075.2); c.573G>A, p.Thr191= (NM_173201.5).
Identifiers: ClinVar variation 1130144 (VCV001130144.38), dbSNP rs774177721, ClinGen allele CA7986699.

ClinVar aggregate classification (germline): Likely benign. Review status: criteria provided, multiple submitters, no conflicts (2 of 4 stars). 2 submissions from 2 submitters: Likely benign (2). Last evaluated 2025-06-03.

Conditions:
Brody myopathy. Also called: BRODY DISEASE. Identifiers: Orphanet 53347, MedGen C1832918, MONDO:0010977, OMIM 601003.

Allele frequency attached by ClinVar (database versions not stated): gnomAD 0.00001; TOPMed 0.00001; gnomAD exomes 0.00002 and 0.00005; ExAC 0.00007.
gnomAD v4.1: 24 of 1,613,626 alleles (0.0015%); highest among the groups gnomAD compares: Admixed American, 0.012%; no homozygotes.

Submissions (2):

Labcorp Genetics (formerly Invitae), Labcorp
Classification: Likely benign for Brody myopathy. Last evaluated: 2025-06-03. Review status: criteria provided, single submitter. Criteria: Invitae Variant Classification Sherloc (09022015). Collection method: clinical testing. Allele origin: germline.

CeGaT Center for Human Genetics Tuebingen
Classification: Likely benign. Last evaluated: 2022-07-01. Review status: criteria provided, single submitter. Criteria: CeGaT Center For Human Genetics Tuebingen Variant Classification Criteria Version 2. Collection method: clinical testing. Allele origin: germline. Affected: yes. Observed: 1 variant allele.
Comment: ATP2A1: BP4, BP7